The following is an entry in ClinVar:

NM_018975.4(TERF2IP):c.614C>T (p.Ser205Phe)

Gene: TERF2IP (TERF2 interacting protein; plus strand). Cytogenetic location: 16q23.1.
Variant type: single nucleotide variant.
Coding change: c.614C>T on transcript NM_018975.4 (MANE Select); coding-DNA position 614, C replaced by T.
Protein change: p.Ser205Phe; replaces serine 205 with phenylalanine.
Molecular consequence: missense variant. On other transcripts: non-coding transcript variant (1).
Genome position (GRCh38, 1-based): chr16:75,648,496, C>T. VCF-style: chr16-75648496-C-T. GRCh37 (hg19) VCF-style: chr16-75682394-C-T.
Other names: short protein forms S205F.
Identifiers: ClinVar variation 1751873 (VCV001751873.2), dbSNP rs2507075190, ClinGen allele CA396818287.

ClinVar aggregate classification (germline): Uncertain significance (1 of 4 stars; one submission).

gnomAD v4.1: 1 of 1,587,774 alleles (0.000063%); highest among the groups gnomAD compares: South Asian, 0.0011%; no homozygotes.

Submission:

Ambry Genetics
Classification: Uncertain significance. Last evaluated: 2022-03-24. Review status: criteria provided, single submitter. Criteria: Ambry Variant Classification Scheme 2023. Collection method: clinical testing. Allele origin: germline.
Comment: The p.S205F variant (also known as c.614C>T), located in coding exon 1 of the TERF2IP gene, results from a C to T substitution at nucleotide position 614. The serine at codon 205 is replaced by phenylalanine, an amino acid with highly dissimilar properties. This amino acid position is conserved. In addition, this alteration is predicted to be tolerated by in silico analysis. Since supporting evidence is limited at this time, the clinical significance of this alteration remains unclear.